The following is an entry in ClinVar:

ClinVar aggregate classification (germline): Uncertain significance (1 of 4 stars; one submission).

Conditions:
Severe myoclonic epilepsy in infancy (DRVT). Also called: SEVERE MYOCLONIC EPILEPSY OF INFANCY; Dravet syndrome; Epileptic encephalopathy, early infantile, 6 (Dravet syndrome); DEVELOPMENTAL AND EPILEPTIC ENCEPHALOPATHY 6A; Severe Myoclonic Epilepsy in Infancy (SMEI). Identifiers: Orphanet 33069, MedGen C0751122, MONDO:0100135, OMIM 607208.

Submission:

Labcorp Genetics (formerly Invitae), Labcorp
Classification: Uncertain significance for Severe myoclonic epilepsy in infancy. Last evaluated: 2022-08-09. Review status: criteria provided, single submitter. Criteria: Invitae Variant Classification Sherloc (09022015). Collection method: clinical testing. Allele origin: germline.
Comment: This variant is not present in population databases (gnomAD no frequency). This sequence change replaces alanine, which is neutral and non-polar, with proline, which is neutral and non-polar, at codon 333 of the SNX27 protein (p.Ala333Pro). This variant has not been reported in the literature in individuals affected with SNX27-related conditions. Algorithms developed to predict the effect of missense changes on protein structure and function (SIFT, PolyPhen-2, Align-GVGD) all suggest that this variant is likely to be disruptive. In summary, the available evidence is currently insufficient to determine the role of this variant in disease. Therefore, it has been classified as a Variant of Uncertain Significance.

NM_001330723.2(SNX27):c.997G>C (p.Ala333Pro)

Gene: SNX27 (sorting nexin 27; plus strand). Cytogenetic location: 1q21.3.
Variant type: single nucleotide variant.
Coding change: c.997G>C on transcript NM_001330723.2 (MANE Select); coding-DNA position 997, G replaced by C.
Protein change: p.Ala333Pro; replaces alanine 333 with proline.
Molecular consequence: missense variant.
Genome position (GRCh38, 1-based): chr1:151,668,483, G>C. VCF-style: chr1-151668483-G-C. GRCh37 (hg19) VCF-style: chr1-151640959-G-C.
Other names: c.997G>C, p.Ala333Pro (NM_030918.6); short protein forms A333P.
Identifiers: ClinVar variation 2093419 (VCV002093419.4), dbSNP rs1670312706, ClinGen allele CA341965772.
Genomic context (GRCh38, chr1:151,668,483, plus strand): 5'-TTTCTTATATCTTTTCACTCCAGCTTTCTGTGTTTTGTCTTTCCTTTAGTACGTAAATTG[G>C]CACCTAATGAGTTTCCTCACAAACTCTACATTCAGAATTATACATCAGCTGTGCCAGGCA-3'
Protein context (NP_001317652.1, residues 323-343): VISHSFVRKL[Ala333Pro]PNEFPHKLYI